The following is an entry in ClinVar:

ClinVar aggregate classification (germline): Uncertain significance. Review status: criteria provided, multiple submitters, no conflicts (2 of 4 stars). 2 submissions from 2 submitters: Uncertain significance (2). Last evaluated 2025-09-10.

Allele frequency attached by ClinVar (database versions not stated): gnomAD exomes 0.00001; TOPMed 0.00001; ExAC 0.00002; gnomAD 0.00002; ESP Exome Variant Server 0.00008.
gnomAD v4.1: 31 of 1,613,974 alleles (0.0019%); highest among the groups gnomAD compares: African/African-American, 0.0027%; no homozygotes.

Submissions (2):

Labcorp Genetics (formerly Invitae), Labcorp
Classification: Uncertain significance. Last evaluated: 2025-09-10. Review status: criteria provided, single submitter. Criteria: Invitae Variant Classification Sherloc (09022015). Collection method: clinical testing. Allele origin: germline.
Comment: This sequence change replaces arginine, which is basic and polar, with tryptophan, which is neutral and slightly polar, at codon 1544 of the RAI1 protein (p.Arg1544Trp). This variant is present in population databases (rs374516556, gnomAD 0.005%). This variant has not been reported in the literature in individuals affected with RAI1-related conditions. ClinVar contains an entry for this variant (Variation ID: 1304163). Invitae Evidence Modeling of protein sequence and biophysical properties (such as structural, functional, and spatial information, amino acid conservation, physicochemical variation, residue mobility, and thermodynamic stability) indicates that this missense variant is not expected to disrupt RAI1 protein function with a negative predictive value of 80%. In summary, the available evidence is currently insufficient to determine the role of this variant in disease. Therefore, it has been classified as a Variant of Uncertain Significance.

GeneDx
Classification: Uncertain significance. Last evaluated: 2019-10-30. Review status: criteria provided, single submitter. Criteria: GeneDx Variant Classification Process June 2021. Collection method: clinical testing. Allele origin: germline. Affected: yes.
Comment: In silico analysis, which includes protein predictors and evolutionary conservation, supports a deleterious effect; Has not been previously published as pathogenic or benign to our knowledge

NM_030665.4(RAI1):c.4630C>T (p.Arg1544Trp)

Gene: RAI1 (retinoic acid induced 1; plus strand). Cytogenetic location: 17p11.2.
Variant type: single nucleotide variant.
Coding change: c.4630C>T on transcript NM_030665.4 (MANE Select); coding-DNA position 4630, C replaced by T.
Protein change: p.Arg1544Trp; replaces arginine 1544 with tryptophan.
Molecular consequence: missense variant.
Genome position (GRCh38, 1-based): chr17:17,797,578, C>T. VCF-style: chr17-17797578-C-T. GRCh37 (hg19) VCF-style: chr17-17700892-C-T.
Other names: short protein forms R1544W.
Identifiers: ClinVar variation 1304163 (VCV001304163.7), dbSNP rs374516556, ClinGen allele CA8418996.